The following is an entry in ClinVar:

ClinVar aggregate classification (germline): Benign/Likely benign. Review status: criteria provided, multiple submitters, no conflicts (2 of 4 stars). 9 submissions from 9 submitters: Benign (7); Likely benign (2). Last evaluated 2026-02-01.

Conditions:
Chudley-McCullough syndrome (CMCS). Also called: DEAFNESS, SENSORINEURAL, WITH PARTIAL AGENESIS OF THE CORPUS CALLOSUM AND ARACHNOID CYSTS; Deafness, autosomal recessive 82. Identifiers: Orphanet 314597, MedGen C1858695, MONDO:0011411, OMIM 604213.

Allele frequency attached by ClinVar (database versions not stated): gnomAD 0.02561 and 0.02763; ExAC 0.00883; 1000 Genomes Project 30x 0.02764; ESP Exome Variant Server 0.02976; gnomAD exomes 0.00744; 1000 Genomes Project 0.02556; TOPMed 0.02836.
gnomAD v4.1: 8,298 of 1,612,284 alleles (0.51%); highest among the groups gnomAD compares: African/African-American, 8.8%; 316 homozygotes.

Submissions (9):

Labcorp Genetics (formerly Invitae), Labcorp
Classification: Benign. Last evaluated: 2026-02-01. Review status: criteria provided, single submitter. Criteria: Invitae Variant Classification Sherloc (09022015). Collection method: clinical testing. Allele origin: germline.

ARUP Laboratories, Molecular Genetics and Genomics, ARUP Laboratories
Classification: Benign for Chudley-McCullough syndrome. Last evaluated: 2023-09-22. Review status: criteria provided, single submitter. Criteria: ARUP Molecular Germline Variant Investigation Process 2024. Collection method: clinical testing. Allele origin: germline.

Mayo Clinic Laboratories, Mayo Clinic
Classification: Benign. Last evaluated: 2022-04-17. Review status: criteria provided, single submitter. Criteria: ACMG Guidelines, 2015. Collection method: clinical testing. Allele origin: germline. Observed: 5 variant alleles.

Athena Diagnostics
Classification: Benign. Last evaluated: 2019-06-06. Review status: criteria provided, single submitter. Criteria: Athena Diagnostics Criteria. Collection method: clinical testing. Allele origin: germline.

Illumina Laboratory Services, Illumina
Classification: Likely benign for Chudley-McCullough syndrome. Last evaluated: 2018-01-13. Review status: criteria provided, single submitter. Criteria: ICSL Variant Classification Criteria 13 December 2019. Collection method: clinical testing. Allele origin: germline.
Comment: This variant was observed in the ICSL laboratory as part of a predisposition screen in an ostensibly healthy population. It had not been previously curated by ICSL or reported in the Human Gene Mutation Database (HGMD: prior to June 1st, 2018), and was therefore a candidate for classification through an automated scoring system. Utilizing variant allele frequency, disease prevalence and penetrance estimates, and inheritance mode, an automated score was calculated to assess if this variant is too frequent to cause the disease. Based on the score and internal cut-off values, a variant classified as likely benign is not then subjected to further curation. The score for this variant resulted in a classification of likely benign for this disease.

GeneDx
Classification: Benign. Last evaluated: 2016-03-22. Review status: criteria provided, single submitter. Criteria: GeneDx Variant Classification (06012015). Collection method: clinical testing. Allele origin: germline. Affected: yes.
Comment: This variant is considered likely benign or benign based on one or more of the following criteria: it is a conservative change, it occurs at a poorly conserved position in the protein, it is predicted to be benign by multiple in silico algorithms, and/or has population frequency not consistent with disease.

Laboratory for Molecular Medicine, Mass General Brigham Personalized Medicine
Classification: Benign. Last evaluated: 2012-05-07. Review status: criteria provided, single submitter. Criteria: LMM Criteria. Collection method: clinical testing. Allele origin: germline. Observed: 28 variant alleles.
Comment: "Lys276Lys in Exon 08 of GPSM2: This variant is not expected to have clinical si gnificance because it does not alter an amino acid residue, is not located withi n the splice consensus sequence, and has been identified in 8.6% (320/3738) of A frican American chromosomes from a broad population by the NHLBI Exome Sequencin g Project (dbSNP rs338489)."

Breakthrough Genomics
Classification: Likely benign. Review status: criteria provided, single submitter. Criteria: ACMG Guidelines, 2015. Collection method: not provided. Allele origin: germline. Inheritance: Autosomal recessive inheritance. Affected: yes.

PreventionGenetics, part of Exact Sciences
Classification: Benign. Review status: criteria provided, single submitter. Criteria: ACMG Guidelines, 2015. Collection method: clinical testing. Allele origin: germline.

NM_013296.5(GPSM2):c.828A>G (p.Lys276=)

Gene: GPSM2 (G protein signaling modulator 2; plus strand). Cytogenetic location: 1p13.3.
Variant type: single nucleotide variant.
Coding change: c.828A>G on transcript NM_013296.5 (MANE Select); coding-DNA position 828, A replaced by G.
Protein change: p.Lys276=; no amino-acid change (lysine 276 retained).
Molecular consequence: synonymous variant.
Genome position (GRCh38, 1-based): chr1:108,901,820, A>G. VCF-style: chr1-108901820-A-G. GRCh37 (hg19) VCF-style: chr1-109444442-A-G.
Other names: p.Lys276=; c.828A>G, p.Lys276= (NM_001321038.2, NM_001321039.3).
Identifiers: ClinVar variation 45571 (VCV000045571.29), dbSNP rs338489, ClinGen allele CA136674.